The following continues an entry in ClinVar:

NM_007294.4(BRCA1):c.4986+6T>C

Gene: BRCA1. ClinVar aggregate classification (germline): Pathogenic/Likely pathogenic. Pathogenic (20); Likely pathogenic (3).

Submissions 11 to 22 of 31:

Victorian Clinical Genetics Services, Murdoch Childrens Research Institute
Classification: Pathogenic for Breast-ovarian cancer, familial, susceptibility to, 1. Last evaluated: 2023-07-17. Review status: criteria provided, single submitter. Criteria: ACMG Guidelines, 2015. Collection method: clinical testing. Allele origin: germline. Inheritance: Autosomal dominant inheritance.
Comment: Based on the classification scheme VCGS_Germline_v1.3.4, this variant is classified as Pathogenic. Following criteria are met: 0102 - Loss of function is a known mechanism of disease in this gene and is associated with Fanconi anaemia, complementation group S (MIM#617883), susceptibility to breast and ovarian cancer (MIM#604370) and susceptibility to pancreatic cancer (MIM#614320). (I) 0108 - This gene is associated with both recessive and dominant disease. Susceptibility to breast and ovarian cancer follows an autosomal dominant inheritance pattern, while Fanconi anaemia is inherited in an autosomal recessive pattern (OMIM). (I) 0112 - The condition associated with this gene has incomplete penetrance. The highest estimate for cancer risk in carriers of pathogenic variants is 80% by the age of 70 years (PMID: 30551077). (I) 0251 - This variant is heterozygous. (I) 0209 - Splice site variant proven to affect splicing of the transcript with uncertain effect on protein sequence. Using semi-nested RT-PCR performed on total RNA isolated from patient peripheral blood cells, this variant was shown to result in a retention of a 69bp sequence in intron 15 which harbours at least one predicted STOP codon (PMID: 10406662). A subsequent study using a saturating genome editing assay demonstrated that this variant resulted in reduced mRNA expression and was functionally classified as a loss of function variant (PMID: 30209399). (SP) 0304 - Variant is present in gnomAD (v3) <0.01 for a condition (1 heterozygote, 0 homozygotes). (SP) 0311 - An alternative nucleotide change at the same non-canonical splice site is present in gnomAD (v2) at a frequency of 0.0000089 (1 heterozygote, 0 homozygotes). 0505 - Abnormal splicing is predicted by in silico tools and affected nucleotide is highly conserved. (SP) 0704 - Another non-canonical splice variant comparable to the one identified in this case has limited previous evidence for pathogenicity. The c.4986+6T>G non-canonical splice variant has been classified as 3 stars by an expert panel; however, it should be noted that the c.4986+6T>A non-canonical splice variant has been classified once as a VUS (ClinVar). (SP) 0801 - This variant has very strong previous evidence of pathogenicity in unrelated individuals. This variant has been classified as likely pathogenic or pathogenic by multiple clinical diagnostic laboratories (ClinVar) and has been reported in multiple individuals across different ethnicities (PMID: 29446198). (SP) 1208 - Inheritance information for this variant is not currently available in this individual. (I) Legend: (SP) - Supporting pathogenic, (I) - Information, (SB) - Supporting benign

Department of Pathology and Laboratory Medicine, Sinai Health System
Classification: Pathogenic for Familial cancer of breast; Breast-ovarian cancer, familial, susceptibility to, 1; Fanconi anemia, complementation group S. Last evaluated: 2023-05-26. Review status: criteria provided, single submitter. Criteria: ACMG Guidelines, 2015. Collection method: clinical testing. Allele origin: germline. Affected: no.

GeneDx
Classification: Pathogenic. Last evaluated: 2022-05-27. Review status: criteria provided, single submitter. Criteria: GeneDx Variant Classification Process June 2021. Collection method: clinical testing. Allele origin: germline. Affected: yes.
Comment: Non-canonical splice site variant demonstrated to result in aberrant splicing and a truncated protein (Scholl 1999, Uchikawa 2007); Observed in multiple individuals with personal and/or family histories consistent with Hereditary Breast and Ovarian Cancer (Scholl 1999, Akbari 2011, Lynce 2015, Pal 2015, Rummel 2017); Published functional studies demonstrate a damaging effect: variant classified as non-functional based on a saturation genome editing (SGE) assay measuring cell survival (Findlay 2018); Not observed at a significant frequency in large population cohorts (gnomAD); In silico analysis supports a deleterious effect on splicing; Also known as 5105+6T>C and IVS16+6T>C; This variant is associated with the following publications: (PMID: 26913838, 21965345, 21324516, 23348723, 22505045, 10406662, 24729269, 23239986, 26250392, 26287763, 25782689, 23192404, 28727877, 28087643, 28503720, 30209399, 31159747, 33646313, 30787465, 17851636)

Laboratorio de Genetica e Diagnostico Molecular, Hospital Israelita Albert Einstein
Classification: Likely pathogenic for Breast-ovarian cancer, familial, susceptibility to, 1. Last evaluated: 2022-01-05. Review status: criteria provided, single submitter. Criteria: ACMG Guidelines, 2015. Collection method: clinical testing. Allele origin: germline. Affected: yes.
Comment: ACMG classification criteria: PS3 supporting, PS4 moderate, PM2 moderate, PP1 supporting, PP3 supporting

Women's Health and Genetics/Laboratory Corporation of America, LabCorp
Classification: Pathogenic for Hereditary breast ovarian cancer syndrome. Last evaluated: 2021-11-05. Review status: criteria provided, single submitter. Criteria: LabCorp Variant Classification Summary - May 2015. Collection method: clinical testing. Allele origin: germline.
Comment: Variant summary: BRCA1 c.4986+6T>C alters a conserved nucleotide located close to a canonical splice site and therefore could affect mRNA splicing, leading to a significantly altered protein sequence. Several computational tools predict a significant impact on normal splicing: Two predict the variant abolishes the canonical 5' splicing donor site. One predict the variant weakens the canonical 5' splicing donor site. At least one publication reports experimental evidence that this variant affects mRNA splicing by using a cryptic site 65 nucleotides downstream of the canonical 5' splice donor site (Houdayer_2012). The variant was absent in 249776 control chromosomes. c.4986+6T>C has been reported in the literature in multiple individuals affected with Hereditary Breast And Ovarian Cancer Syndrome (example Rebbeck_2018). These data indicate that the variant is very likely to be associated with disease. At least one publication reports experimental evidence evaluating an impact on protein function (example, Findlay_2018). The most pronounced variant effect results in loss of HDR activity. Multiple clinical diagnostic laboratories have submitted clinical-significance assessments for this variant to ClinVar after 2014 without evidence for independent evaluation. All laboratories classified the variant as pathogenic/likely pathogenic. Based on the evidence outlined above, the variant was classified as pathogenic.

Sema4
Classification: Pathogenic for Hereditary cancer-predisposing syndrome. Last evaluated: 2021-05-06. Review status: criteria provided, single submitter. Criteria: Sema4 Curation Guidelines. Collection method: curation. Allele origin: germline.
Comment: The BRCA1 c.4986+6T>C variant, also known as IVS16+6T>C and 5105+6T>C in the literature, has been reported in numerous individuals with breast and/or ovarian cancer (PMID: 29446198, 21324516, 22505045, 28503720, 31159747). An RNA study in a patient lymphoblastoid cell line suggested aberrant splicing, where a cryptic splice site 65 nucleotides into the intron was used (PMID: 22505045). In addition, a high-throughput genome editing assay exhibited impaired homology-directed repair activity of the mutant protein (PMID: 30209399). This variant is not reported in the population database Genome Aggregation Database (PMID: 32461654) but has been reported in ClinVar (Variation ID: 37620). Based on the current evidence available, this variant is interpreted as pathogenic.

GeneKor MSA
Classification: Likely pathogenic. Last evaluated: 2020-01-01. Review status: criteria provided, single submitter. Criteria: ACMG Guidelines, 2015. Collection method: clinical testing. Allele origin: germline.
Comment: This sequence change occurs 6 nucleotides after exon 16 of the BRCA1 gene. This position is conserved in the human genome and is crucial in mRNA processing. This mutation is expected to result in incorrect splicing, alteration in the reading frame and an absent or truncated protein. This variant is also known as IVS16+6T>C and has been reported in the international literature in patients with hereditary breast and ovarian cancer (PMID: 21324516, 21965345, 21120943). Experimental studies have shown that this sequence change creates an aberrant transcript by activating a cryptic splice donor site. Moreover, this prediction has been confirmed experimentally (PMID: 10406662, 22505045). The mutation database Clinvar contains entries for this variant (Variation ID:37620) In summary, this is a rare sequence change that is expected to affect the BRCA1 protein and cause disease.

Division of Medical Genetics, University of Washington
Classification: Pathogenic for Breast-ovarian cancer, familial, susceptibility to, 1. Last evaluated: 2019-04-01. Review status: criteria provided, single submitter. Criteria: ACMG Guidelines, 2015. Collection method: clinical testing. Allele origin: germline. Affected: yes. Study: CSER_CHARM.
Comment: The c.5049+6T>C variant (also known as IVS16+6T>C) affects a cryptic splice donor site and leads to an aberrant transcript and truncated protein (Scholl 1999, Houdayer 2012). A different sequence change at the same position has also been shown to result in abnormal splicing (Chen 2006). The c.5049+6T>C variant has been reported in multiple individuals and families with breast and ovarian cancer (Scholl 1999, Zhang 2011, Akbari 2011, Caux-Moncoutier 2011, Biunno 2014). Thus, the c.5049+6T>C variant is interpreted as pathogenic.

CHEO Genetics Diagnostic Laboratory, Children's Hospital of Eastern Ontario
Classification: Pathogenic for Breast and/or ovarian cancer. Last evaluated: 2017-03-03. Review status: criteria provided, single submitter. Criteria: ACMG Guidelines, 2015. Collection method: clinical testing. Allele origin: germline. Study: Canadian Open Genetics Repository.

Consortium of Investigators of Modifiers of BRCA1/2 (CIMBA), c/o University of Cambridge
Classification: Pathogenic for Breast-ovarian cancer, familial, susceptibility to, 1. Last evaluated: 2015-10-02. Review status: criteria provided, single submitter. Criteria: CIMBA Mutation Classification guidelines May 2016. Collection method: clinical testing. Allele origin: germline.

Clinical Genetics DNA and cytogenetics Diagnostics Lab, Erasmus MC, Erasmus Medical Center
Classification: Pathogenic for Breast-ovarian cancer, familial, susceptibility to, 1. Last evaluated: 2015-09-21. Review status: criteria provided, single submitter. Criteria: ACGS Guidelines, 2013. Collection method: clinical testing. Allele origin: germline. Affected: yes. Study: VKGL Data-share Consensus.

Eurofins Ntd Llc (ga)
Classification: Likely pathogenic. Last evaluated: 2015-07-24. Review status: criteria provided, single submitter. Criteria: EGL Classification Definitions 2015. Collection method: clinical testing. Allele origin: germline. Observed: 1 variant allele, 1 heterozygote.